The following is an entry in ClinVar:

NM_001388308.1(KIF12):c.932A>G (p.Lys311Arg)

Gene: KIF12 (kinesin family member 12; minus strand). Cytogenetic location: 9q32.
Variant type: single nucleotide variant.
Coding change: c.932A>G on transcript NM_001388308.1 (MANE Select); coding-DNA position 932, A replaced by G.
Protein change: p.Lys311Arg; replaces lysine 311 with arginine.
Molecular consequence: missense variant.
Genome position (GRCh38, 1-based): chr9:114,095,296, T>C on the plus strand (A>G on the coding strand, the complement: KIF12 is on the minus strand). VCF-style: chr9-114095296-T-C. GRCh37 (hg19) VCF-style: chr9-116857576-T-C.
Other names: c.518A>G, p.Lys173Arg (NM_138424.2); short protein forms K173R, K311R.
Identifiers: ClinVar variation 4705036 (VCV004705036.1).

ClinVar aggregate classification (germline): Uncertain significance (1 of 4 stars; one submission).

gnomAD v4.1: 7 of 1,613,750 alleles (0.00043%); highest among the groups gnomAD compares: Admixed American, 0.012%; no homozygotes.

Submission:

Labcorp Genetics (formerly Invitae), Labcorp
Classification: Uncertain significance. Last evaluated: 2025-12-24. Review status: criteria provided, single submitter. Criteria: Invitae Variant Classification Sherloc (09022015). Collection method: clinical testing. Allele origin: germline.
Comment: This sequence change replaces lysine, which is basic and polar, with arginine, which is basic and polar, at codon 173 of the KIF12 protein (p.Lys173Arg). This variant is present in population databases (rs770274803, gnomAD 0.01%). This variant has not been reported in the literature in individuals affected with KIF12-related conditions. An algorithm developed to predict the effect of missense changes on protein structure and function outputs the following: PolyPhen-2: "Benign". The arginine amino acid residue is found in multiple mammalian species, which suggests that this missense change does not adversely affect protein function. In summary, the available evidence is currently insufficient to determine the role of this variant in disease. Therefore, it has been classified as a Variant of Uncertain Significance.